The following is an entry in ClinVar:

ClinVar aggregate classification (germline): Uncertain significance. Review status: criteria provided, multiple submitters, no conflicts (2 of 4 stars). 3 submissions from 3 submitters: Uncertain significance (3). Last evaluated 2025-11-17.

Conditions:
Renal hypomagnesemia 4. Also called: HYPOMAGNESEMIA, RENAL, NORMOCALCIURIC. Identifiers: Orphanet 34527, MedGen C2673648, MONDO:0012717, OMIM 611718.

Allele frequency attached by ClinVar (database versions not stated): ExAC 0.00003; gnomAD 0.00004 and 0.00005; gnomAD exomes 0.00005; TOPMed 0.00006.
gnomAD v4.1: 54 of 1,613,824 alleles (0.0033%); highest among the groups gnomAD compares: Admixed American, 0.018%; no homozygotes.

Submissions (3):

Labcorp Genetics (formerly Invitae), Labcorp
Classification: Uncertain significance. Last evaluated: 2025-11-17. Review status: criteria provided, single submitter. Criteria: Invitae Variant Classification Sherloc (09022015). Collection method: clinical testing. Allele origin: germline.
Comment: This sequence change creates a premature translational stop signal (p.Arg622*) in the EGF gene. It is expected to result in an absent or disrupted protein product. However, the current clinical and genetic evidence is not sufficient to establish whether loss-of-function variants in EGF cause disease. This variant is present in population databases (rs759896124, gnomAD 0.02%). This variant has not been reported in the literature in individuals affected with EGF-related conditions. ClinVar contains an entry for this variant (Variation ID: 1357481). Algorithms developed to predict the effect of sequence changes on RNA splicing suggest that this variant may disrupt the consensus splice site. In summary, the available evidence is currently insufficient to determine the role of this variant in disease. Therefore, it has been classified as a Variant of Uncertain Significance.

Women's Health and Genetics/Laboratory Corporation of America, LabCorp
Classification: Uncertain significance. Last evaluated: 2024-12-24. Review status: criteria provided, single submitter. Criteria: LabCorp Variant Classification Summary - May 2015. Collection method: clinical testing. Allele origin: germline.
Comment: Variant summary: EGF c.1864C>T (p.Arg622X) results in a premature termination codon, predicted to cause a truncation of the encoded protein or absence of the protein due to nonsense mediated decay, however current evidence is not sufficient to establish loss of function as a mechanism for disease. The variant allele was found at a frequency of 4.8e-05 in 251152 control chromosomes (gnomAD). This frequency is not significantly higher than estimated for a pathogenic variant in EGF causing Hypomagnesemia 4, Renal, allowing no conclusion about variant significance. To our knowledge, no occurrence of c.1864C>T in individuals affected with Hypomagnesemia 4, Renal and no experimental evidence demonstrating its impact on protein function have been reported. ClinVar contains an entry for this variant (Variation ID: 1357481). Based on the evidence outlined above, the variant was classified as uncertain significance.

Fulgent Genetics
Classification: Uncertain significance for Renal hypomagnesemia 4. Last evaluated: 2022-04-12. Review status: criteria provided, single submitter. Criteria: ACMG Guidelines, 2015. Collection method: clinical testing. Allele origin: unknown.

NM_001963.6(EGF):c.1864C>T (p.Arg622Ter)

Gene: EGF (epidermal growth factor; plus strand). Cytogenetic location: 4q25.
Variant type: single nucleotide variant.
Coding change: c.1864C>T on transcript NM_001963.6 (MANE Select); coding-DNA position 1864, C replaced by T.
Protein change: p.Arg622Ter; replaces arginine 622 with a stop codon.
Molecular consequence: nonsense.
Genome position (GRCh38, 1-based): chr4:109,976,046, C>T. VCF-style: chr4-109976046-C-T. GRCh37 (hg19) VCF-style: chr4-110897202-C-T.
Other names: c.1864C>T, p.Arg622Ter (NM_001178130.3); c.1738C>T, p.Arg580Ter (NM_001178131.3, NM_001357021.2); short protein forms R580*, R622*.
Identifiers: ClinVar variation 1357481 (VCV001357481.8), dbSNP rs759896124, ClinGen allele CA3043824.